The following is an entry in ClinVar:

ClinVar aggregate classification (germline): Benign/Likely benign. Review status: criteria provided, multiple submitters, no conflicts (2 of 4 stars). 3 submissions from 3 submitters: Benign (1); Likely benign (2). Last evaluated 2025-10-13.

Conditions:
Prostate cancer, hereditary, 9 (HPC9). Identifiers: Orphanet 1331, MedGen C1970250, MONDO:0012597, OMIM 610997.
Hereditary cancer-predisposing syndrome. Also called: Neoplastic Syndromes, Hereditary; Tumor predisposition; Hereditary Cancer Syndrome; Hereditary neoplastic syndrome. Identifiers: Orphanet 140162, MedGen C0027672, MeSH D009386, MONDO:0015356.

Allele frequency attached by ClinVar (database versions not stated): gnomAD exomes below 0.00001.
gnomAD v4.1: 1 of 1,613,774 alleles (0.000062%); highest among the groups gnomAD compares: Non-Finnish European, 0.000085%; no homozygotes.

Submissions (3):

Labcorp Genetics (formerly Invitae), Labcorp
Classification: Likely benign. Last evaluated: 2025-10-13. Review status: criteria provided, single submitter. Criteria: Invitae Variant Classification Sherloc (09022015). Collection method: clinical testing. Allele origin: germline.

Myriad Genetics, Inc.
Classification: Benign for Prostate cancer, hereditary, 9. Last evaluated: 2024-10-30. Review status: criteria provided, single submitter. Criteria: Myriad Autosomal Dominant, Autosomal Recessive and X-Linked Classification Criteria (2023). Collection method: clinical testing. Allele origin: unknown.
Comment: This variant is considered benign. This variant is a silent/synonymous amino acid change and it is not expected to impact splicing.

Ambry Genetics
Classification: Likely benign for Hereditary cancer-predisposing syndrome. Last evaluated: 2017-07-20. Review status: criteria provided, single submitter. Criteria: Ambry Variant Classification Scheme 2023. Collection method: clinical testing. Allele origin: germline.

NM_006361.6(HOXB13):c.711T>C (p.Ala237=)

Gene: HOXB13 (homeobox B13; minus strand). Cytogenetic location: 17q21.32.
Variant type: single nucleotide variant.
Coding change: c.711T>C on transcript NM_006361.6 (MANE Select); coding-DNA position 711, T replaced by C.
Protein change: p.Ala237=; no amino-acid change (alanine 237 retained).
Molecular consequence: synonymous variant.
Genome position (GRCh38, 1-based): chr17:48,726,934, A>G on the plus strand (T>C on the coding strand, the complement: HOXB13 is on the minus strand). VCF-style: chr17-48726934-A-G. GRCh37 (hg19) VCF-style: chr17-46804296-A-G.
Identifiers: ClinVar variation 483526 (VCV000483526.16), dbSNP rs1555558465, ClinGen allele CA500500871.
Genomic context (GRCh38, chr17:48,726,934, plus strand): 5'-CTCCGAGAGGCTGGTGGCTGCCGAGATCTTGCGCCTCTTGTCCTTGGTGATGAACTTGTT[A>G]GCCGCATACTCCCGCTCCAGCTCCCGCAACTGCCCCTTGCTGTACGGAATGCGTTTCTTG-3'
Protein context (NP_006352.2, residues 227-247): QLRELEREYA[Ala237=]NKFITKDKRR